The following is an entry in ClinVar:

ClinVar aggregate classification (germline): Uncertain significance (1 of 4 stars; one submission).

Conditions:
Tuberous sclerosis 1 (TSC1). Identifiers: Orphanet 805, MedGen C1854465, MONDO:0008612, OMIM 191100.

Submission:

Labcorp Genetics (formerly Invitae), Labcorp
Classification: Uncertain significance for Tuberous sclerosis 1. Last evaluated: 2022-06-30. Review status: criteria provided, single submitter. Criteria: Invitae Variant Classification Sherloc (09022015). Collection method: clinical testing. Allele origin: germline.
Comment: In summary, the available evidence is currently insufficient to determine the role of this variant in disease. Therefore, it has been classified as a Variant of Uncertain Significance. Algorithms developed to predict the effect of missense changes on protein structure and function (SIFT, PolyPhen-2, Align-GVGD) all suggest that this variant is likely to be tolerated. This variant has not been reported in the literature in individuals affected with TSC1-related conditions. This variant is not present in population databases (gnomAD no frequency). This sequence change replaces histidine, which is basic and polar, with asparagine, which is neutral and polar, at codon 433 of the TSC1 protein (p.His433Asn).

NM_000368.5(TSC1):c.1297C>A (p.His433Asn)

Gene: TSC1 (TSC complex subunit 1; minus strand). Cytogenetic location: 9q34.13.
Variant type: single nucleotide variant.
Coding change: c.1297C>A on transcript NM_000368.5 (MANE Select); coding-DNA position 1297, C replaced by A.
Protein change: p.His433Asn; replaces histidine 433 with asparagine.
Molecular consequence: missense variant.
Genome position (GRCh38, 1-based): chr9:132,907,337, G>T on the plus strand (C>A on the coding strand, the complement: TSC1 is on the minus strand). VCF-style: chr9-132907337-G-T. GRCh37 (hg19) VCF-style: chr9-135782724-G-T.
Other names: c.1294C>A, p.His432Asn (NM_001406600.1, NM_001406603.1, NM_001406604.1 and 6 more transcripts); c.1297C>A, p.His433Asn (NM_001406601.1, NM_001406602.1, NM_001406605.1 and 7 more transcripts); c.934C>A, p.His312Asn (NM_001406619.1, NM_001406624.1, NM_001362177.2 and 5 more transcripts); c.931C>A, p.His311Asn (NM_001406620.1, NM_001406621.1, NM_001406622.1 and 2 more transcripts); c.346C>A, p.His116Asn (NM_001406626.1); c.343C>A, p.His115Asn (NM_001406627.1, NM_001406628.1); c.1144C>A, p.His382Asn (NM_001162427.2, NM_001406610.1); c.1141C>A, p.His381Asn (NM_001406611.1, NM_001406612.1, NM_001406613.1); and 1 more; short protein forms H312N, H382N, H311N, H381N, H432N, H433N, H115N, H116N.
Identifiers: ClinVar variation 2121263 (VCV002121263.4), dbSNP rs2131881024, ClinGen allele CA375366157.